The following is an entry in ClinVar:

NM_018089.3(ANKZF1):c.752C>A (p.Ala251Asp)

Gene: ANKZF1 (ankyrin repeat and zinc finger peptidyl tRNA hydrolase 1; plus strand). Cytogenetic location: 2q35.
Variant type: single nucleotide variant.
Coding change: c.752C>A on transcript NM_018089.3 (MANE Select); coding-DNA position 752, C replaced by A.
Protein change: p.Ala251Asp; replaces alanine 251 with aspartic acid.
Molecular consequence: missense variant.
Genome position (GRCh38, 1-based): chr2:219,233,366, C>A. VCF-style: chr2-219233366-C-A. GRCh37 (hg19) VCF-style: chr2-220098088-C-A.
Other names: c.752C>A, p.Ala251Asp (NM_001042410.2); c.122C>A, p.Ala41Asp (NM_001282792.2); c.752C>A (NM_018089.2); short protein forms A41D, A251D.
Identifiers: ClinVar variation 1485649 (VCV001485649.9), dbSNP rs755469751, ClinGen allele CA65970774.
Genomic context (GRCh38, chr2:219,233,366, plus strand): 5'-AAACTTTTCACCGCTATACGGTTCGGGCCAAGCGGGGCACAGCCCAGGGGCTTCGGGATG[C>A]CCGAGGTGGGCCATCACACTCTGCTGGAGCCAACCTGAGGCGCTACAATGAAGCCACACT-3'
Protein context (NP_060559.2, residues 241-261): KRGTAQGLRD[Ala251Asp]RGGPSHSAGA

ClinVar aggregate classification (germline): Uncertain significance. Review status: criteria provided, multiple submitters, no conflicts (2 of 4 stars). 2 submissions from 2 submitters: Uncertain significance (2). Last evaluated 2025-10-08.

Allele frequency attached by ClinVar (database versions not stated): gnomAD exomes below 0.00001 and 0.00001; gnomAD 0.00001.

Submissions (2):

Labcorp Genetics (formerly Invitae), Labcorp
Classification: Uncertain significance. Last evaluated: 2025-10-08. Review status: criteria provided, single submitter. Criteria: Invitae Variant Classification Sherloc (09022015). Collection method: clinical testing. Allele origin: germline.
Comment: This sequence change replaces alanine, which is neutral and non-polar, with aspartic acid, which is acidic and polar, at codon 251 of the ANKZF1 protein (p.Ala251Asp). This variant is present in population databases (rs755469751, gnomAD 0.003%). This variant has not been reported in the literature in individuals affected with ANKZF1-related conditions. ClinVar contains an entry for this variant (Variation ID: 1485649). An algorithm developed to predict the effect of missense changes on protein structure and function (PolyPhen-2) suggests that this variant is likely to be disruptive. In summary, the available evidence is currently insufficient to determine the role of this variant in disease. Therefore, it has been classified as a Variant of Uncertain Significance.

Ambry Genetics
Classification: Uncertain significance. Last evaluated: 2024-11-12. Review status: criteria provided, single submitter. Criteria: Ambry Variant Classification Scheme 2023. Collection method: clinical testing. Allele origin: germline.